The following is an entry in ClinVar:

NM_019098.5(CNGB3):c.878A>T (p.His293Leu)

Gene: CNGB3 (cyclic nucleotide gated channel subunit beta 3; minus strand). Cytogenetic location: 8q21.3.
Variant type: single nucleotide variant.
Coding change: c.878A>T on transcript NM_019098.5 (MANE Select); coding-DNA position 878, A replaced by T.
Protein change: p.His293Leu; replaces histidine 293 with leucine.
Molecular consequence: missense variant.
Genome position (GRCh38, 1-based): chr8:86,654,037, T>A on the plus strand (A>T on the coding strand, the complement: CNGB3 is on the minus strand). VCF-style: chr8-86654037-T-A. GRCh37 (hg19) VCF-style: chr8-87666265-T-A.
Other names: c.878A>T (NM_019098.4); short protein forms H293L.
Identifiers: ClinVar variation 2193882 (VCV002193882.3), dbSNP rs924258407, ClinGen allele CA180355246.
Genomic context (GRCh38, chr8:86,654,037, plus strand): 5'-TCACGTGAGCAACTTTGAAATTGTTTGTCACCTACCTGAAATTTTGTAGAAGTCCTGTAG[T>A]GTTTCCTTAGCTCATTTGAATCCACCTGAAAGATATTTGTATTTTCATTAATTTTAGCCA-3'
Protein context (NP_061971.3, residues 283-303): IIVDSNELRK[His293Leu]YRTSTKFQLD

ClinVar aggregate classification (germline): Uncertain significance. Review status: criteria provided, multiple submitters, no conflicts (2 of 4 stars). 3 submissions from 3 submitters: Uncertain significance (3). Last evaluated 2025-02-13.

Conditions:
Inborn genetic diseases. Identifiers: MedGen C0950123, MeSH D030342.

Allele frequency attached by ClinVar (database versions not stated): gnomAD 0.00001.
gnomAD v4.1: 5 of 1,602,374 alleles (0.00031%); highest among the groups gnomAD compares: Admixed American, 0.0033%; no homozygotes.

Submissions (3):

Ambry Genetics
Classification: Uncertain significance for Inborn genetic diseases. Last evaluated: 2025-02-13. Review status: criteria provided, single submitter. Criteria: Ambry Variant Classification Scheme 2023. Collection method: clinical testing. Allele origin: germline.

Labcorp Genetics (formerly Invitae), Labcorp
Classification: Uncertain significance. Last evaluated: 2022-01-03. Review status: criteria provided, single submitter. Criteria: Invitae Variant Classification Sherloc (09022015). Collection method: clinical testing. Allele origin: germline.
Comment: This sequence change replaces histidine, which is basic and polar, with leucine, which is neutral and non-polar, at codon 293 of the CNGB3 protein (p.His293Leu). This variant is present in population databases (no rsID available, gnomAD 0.003%). This variant has not been reported in the literature in individuals affected with CNGB3-related conditions. Advanced modeling of protein sequence and biophysical properties (such as structural, functional, and spatial information, amino acid conservation, physicochemical variation, residue mobility, and thermodynamic stability) performed at Invitae indicates that this missense variant is not expected to disrupt CNGB3 protein function. In summary, the available evidence is currently insufficient to determine the role of this variant in disease. Therefore, it has been classified as a Variant of Uncertain Significance.

Blueprint Genetics
Classification: Uncertain significance. Last evaluated: 2020-10-31. Review status: criteria provided, single submitter. Criteria: ACMG Guidelines, 2015. Collection method: clinical testing. Allele origin: germline.